The following is an entry in ClinVar:

NM_002439.5(MSH3):c.1816A>G (p.Ser606Gly)

Gene: MSH3 (mutS homolog 3; plus strand). Cytogenetic location: 5q14.1.
Variant type: single nucleotide variant.
Coding change: c.1816A>G on transcript NM_002439.5 (MANE Select); coding-DNA position 1816, A replaced by G.
Protein change: p.Ser606Gly; replaces serine 606 with glycine.
Molecular consequence: missense variant.
Genome position (GRCh38, 1-based): chr5:80,761,598, A>G. VCF-style: chr5-80761598-A-G. GRCh37 (hg19) VCF-style: chr5-80057417-A-G.
Other names: short protein forms S606G.
Identifiers: ClinVar variation 647771 (VCV000647771.11), dbSNP rs772978841, ClinGen allele CA3328055.
Genomic context (GRCh38, chr5:80,761,598, plus strand): 5'-TCTCACAGGGAAATAAATGCCCGGCTTGATGCTGTATCGGAAGTTCTCCATTCAGAATCT[A>G]GTGTGTTTGGTCAGATAGAAAATCATCTACGTAAATTGCCCGACATAGAGAGGGGACTCT-3'
Protein context (NP_002430.3, residues 596-616): AVSEVLHSES[Ser606Gly]VFGQIENHLR

ClinVar aggregate classification (germline): Uncertain significance. Review status: criteria provided, multiple submitters, no conflicts (2 of 4 stars). 2 submissions from 2 submitters: Uncertain significance (2). Last evaluated 2023-07-10.

Conditions:
Hereditary cancer-predisposing syndrome. Also called: Hereditary Cancer Syndrome; Tumor predisposition; Hereditary neoplastic syndrome; Neoplastic Syndromes, Hereditary. Identifiers: Orphanet 140162, MedGen C0027672, MeSH D009386, MONDO:0015356.

Allele frequency attached by ClinVar (database versions not stated): gnomAD exomes below 0.00001; TOPMed below 0.00001; ExAC 0.00001; gnomAD 0.00001.
gnomAD v4.1: 3 of 1,614,006 alleles (0.00019%); highest among the groups gnomAD compares: Non-Finnish European, 0.00025%; no homozygotes.

Submissions (2):

Labcorp Genetics (formerly Invitae), Labcorp
Classification: Uncertain significance. Last evaluated: 2023-07-10. Review status: criteria provided, single submitter. Criteria: Invitae Variant Classification Sherloc (09022015). Collection method: clinical testing. Allele origin: germline.
Comment: In summary, the available evidence is currently insufficient to determine the role of this variant in disease. Therefore, it has been classified as a Variant of Uncertain Significance. Algorithms developed to predict the effect of missense changes on protein structure and function output the following: SIFT: "Not Available"; PolyPhen-2: "Benign"; Align-GVGD: "Not Available". The glycine amino acid residue is found in multiple mammalian species, which suggests that this missense change does not adversely affect protein function. ClinVar contains an entry for this variant (Variation ID: 647771). This variant has not been reported in the literature in individuals affected with MSH3-related conditions. This variant is present in population databases (rs772978841, gnomAD 0.0009%). This sequence change replaces serine, which is neutral and polar, with glycine, which is neutral and non-polar, at codon 606 of the MSH3 protein (p.Ser606Gly).

Ambry Genetics
Classification: Uncertain significance for Hereditary cancer-predisposing syndrome. Last evaluated: 2022-08-22. Review status: criteria provided, single submitter. Criteria: Ambry Variant Classification Scheme 2023. Collection method: clinical testing. Allele origin: germline.
Comment: The p.S606G variant (also known as c.1816A>G), located in coding exon 13 of the MSH3 gene, results from an A to G substitution at nucleotide position 1816. The serine at codon 606 is replaced by glycine, an amino acid with similar properties. This amino acid position is conserved. In addition, this alteration is predicted to be tolerated by in silico analysis. Since supporting evidence is limited at this time, the clinical significance of this alteration remains unclear.